The following is an entry in ClinVar:

NM_016138.5(COQ7):c.160C>T (p.Arg54Trp)

Gene: COQ7 (coenzyme Q7, hydroxylase; plus strand). Cytogenetic location: 16p12.3.
Variant type: single nucleotide variant.
Coding change: c.160C>T on transcript NM_016138.5 (MANE Select); coding-DNA position 160, C replaced by T.
Protein change: p.Arg54Trp; replaces arginine 54 with tryptophan.
Molecular consequence: missense variant. On other transcripts: non-coding transcript variant (3).
Genome position (GRCh38, 1-based): chr16:19,072,014, C>T. VCF-style: chr16-19072014-C-T. GRCh37 (hg19) VCF-style: chr16-19083336-C-T.
Other names: c.46C>T, p.Arg16Trp (NM_001190983.2, NM_001370492.1, NM_001370493.1 and 2 more transcripts); c.118C>T, p.Arg40Trp (NM_001370489.1, NM_001370491.1); c.160C>T, p.Arg54Trp (NM_001370490.1); short protein forms R16W, R40W, R54W.
Identifiers: ClinVar variation 2580230 (VCV002580230.4), dbSNP rs199844241, ClinGen allele CA7932895.

ClinVar aggregate classification (germline): Conflicting classifications of pathogenicity. Review status: criteria provided, conflicting classifications (1 of 4 stars). 4 submissions from 4 submitters: Likely pathogenic (2); Uncertain significance (1). 1 of the submissions does not count toward it. Last evaluated 2025-09-17.

Conditions:
COQ7-related disorder. Also called: COQ7-related condition.
Neuronopathy, distal hereditary motor, autosomal recessive 9 (HMNR9). Also called: NEUROPATHY, DISTAL HEREDITARY MOTOR, AUTOSOMAL RECESSIVE 9. Identifiers: Orphanet 658778, MedGen C5882672, MONDO:0957874, OMIM 620402.
Primary coenzyme Q10 deficiency 8. Identifiers: MedGen C4225226, MONDO:0014754, OMIM 616733.

Allele frequency attached by ClinVar (database versions not stated): gnomAD exomes below 0.00001; ExAC 0.00002; gnomAD 0.00002; TOPMed 0.00002; 1000 Genomes Project 30x 0.00016; 1000 Genomes Project 0.00020.
gnomAD v4.1: 9 of 1,614,144 alleles (0.00056%); highest among the groups gnomAD compares: East Asian, 0.0022%; no homozygotes.

Submissions (4):

3billion
Classification: Likely pathogenic for Primary coenzyme Q10 deficiency 8. Last evaluated: 2025-09-17. Review status: criteria provided, single submitter. Criteria: ACMG Guidelines, 2015. Collection method: clinical testing. Allele origin: germline. Affected: yes.
Comment: The variant is observed at an extremely low frequency in the gnomAD v4.1.0 dataset (total allele frequency: <0.001%). Predicted Consequence/Location: Missense variant In silico tool predictions suggest damaging effect of the variant on gene or gene product [REVEL: 0.65 (>=0.6, sensitivity 0.68 and specificity 0.92); 3Cnet: 0.88 (> 0.75, sensitivity 0.96 and precision 0.92)]. The same nucleotide change resulting in the same amino acid change has been previously reported to be associated with COQ7-related disorder (ClinVar ID: VCV002580230 /PMID: 36758993). The variant has been reported to be in trans with a pathogenic variant as either compound heterozygous or homozygous in at least one similarly affected unrelated individual (PMID: 36758993). A different missense change at the same codon (p.Arg54Gln) has been reported as pathogenic/likely pathogenic with strong evidence (ClinVar ID: VCV000587428 /PMID: 35782625 /3billion dataset). Therefore, this variant is classified as Likely pathogenic according to the recommendation of ACMG/AMP guideline.

Blueprint Genetics
Classification: Likely pathogenic for COQ7-related disorders. Last evaluated: 2023-09-27. Review status: criteria provided, single submitter. Criteria: ACMG Guidelines, 2015. Collection method: clinical testing. Allele origin: germline. Affected: yes. Observed: 2 variant alleles.

Illumina Laboratory Services, Illumina
Classification: Uncertain significance for Primary coenzyme Q10 deficiency 8. Last evaluated: 2023-05-06. Review status: criteria provided, single submitter. Criteria: ICSLVariantClassificationCriteria RUGD 01 April 2020. Collection method: clinical testing. Allele origin: unknown.
Comment: The COQ7 c.160C>T (p.Arg54Trp) missense variant has been reported in a compound heterozygous state with a second missense variant, in one individual with distal muscle weakness and atrophy (PMID: 36758993). This variant is not observed at a significant frequency in version 2.1.1 or version 3.1.2 of the Genome Aggregation Database. Based on the available evidence, the c.160C>T (p.Arg54Trp) variant is classified as a variant of uncertain significance for primary coenzyme Q10 deficiency.

OMIM
Classification: Pathogenic for NEURONOPATHY, DISTAL HEREDITARY MOTOR, AUTOSOMAL RECESSIVE 9. Last evaluated: 2023-10-17. Review status: no assertion criteria provided. Collection method: literature only. Allele origin: germline. Not counted in ClinVar's aggregate classification.

Literature cited by the submitters: PubMed 36758993 (cited by 3billion and OMIM); PubMed 35782625 (cited by 3billion).